The following is an entry in ClinVar:

NM_001690.4(ATP6V1A):c.1025A>G (p.Tyr342Cys)

Gene: ATP6V1A (ATPase H+ transporting V1 subunit A; plus strand). Cytogenetic location: 3q13.31.
Variant type: single nucleotide variant.
Coding change: c.1025A>G on transcript NM_001690.4 (MANE Select); coding-DNA position 1025, A replaced by G.
Protein change: p.Tyr342Cys; replaces tyrosine 342 with cysteine.
Molecular consequence: missense variant.
Genome position (GRCh38, 1-based): chr3:113,794,908, A>G. VCF-style: chr3-113794908-A-G. GRCh37 (hg19) VCF-style: chr3-113513755-A-G.
Other names: short protein forms Y342C.
Identifiers: ClinVar variation 3002643 (VCV003002643.3), dbSNP rs778432894, ClinGen allele CA2547961.

ClinVar aggregate classification (germline): Uncertain significance (1 of 4 stars; one submission).

Allele frequency attached by ClinVar (database versions not stated): gnomAD exomes below 0.00001; ExAC 0.00001; TOPMed 0.00001.
gnomAD v4.1: 2 of 1,613,590 alleles (0.00012%); highest among the groups gnomAD compares: African/African-American, 0.0013%; no homozygotes.

Submission:

Labcorp Genetics (formerly Invitae), Labcorp
Classification: Uncertain significance. Last evaluated: 2023-10-15. Review status: criteria provided, single submitter. Criteria: Invitae Variant Classification Sherloc (09022015). Collection method: clinical testing. Allele origin: germline.
Comment: This sequence change replaces tyrosine, which is neutral and polar, with cysteine, which is neutral and slightly polar, at codon 342 of the ATP6V1A protein (p.Tyr342Cys). This variant is present in population databases (rs778432894, gnomAD 0.0009%). This variant has not been reported in the literature in individuals affected with ATP6V1A-related conditions. Advanced modeling of protein sequence and biophysical properties (such as structural, functional, and spatial information, amino acid conservation, physicochemical variation, residue mobility, and thermodynamic stability) performed at Invitae indicates that this missense variant is not expected to disrupt ATP6V1A protein function. In summary, the available evidence is currently insufficient to determine the role of this variant in disease. Therefore, it has been classified as a Variant of Uncertain Significance.